The following is an entry in ClinVar:

NM_004656.4(BAP1):c.1833_1834del (p.Lys612fs)

Gene: BAP1 (BRCA1 associated deubiquitinase 1; minus strand). Cytogenetic location: 3p21.1.
Variant type: Microsatellite.
Coding change: c.1833_1834del on transcript NM_004656.4 (MANE Select); coding-DNA positions 1833 to 1834, 2 bases deleted (GA; older notation c.1833_1834delGA).
Protein change: p.Lys612fs; shifts the reading frame from lysine 612.
Molecular consequence: frameshift variant.
Genome position (GRCh38, 1-based): chr3:52,403,194-52,403,195, TC deleted on the plus strand (GA on the coding strand, the reverse complement: BAP1 is on the minus strand); deleting any 2 consecutive bases within chr3:52,403,194-52,403,200 gives the same sequence; the c. name uses the placement nearest the transcript's 3' end. VCF-style (leftmost placement, unchanged base first): chr3-52403193-TTC-T. GRCh37 (hg19) VCF-style: chr3-52437209-TTC-T.
Other names: short protein forms K612fs.
Identifiers: ClinVar variation 1456704 (VCV001456704.6), dbSNP rs1705022971, ClinGen allele CA2580616481.

ClinVar aggregate classification (germline): Pathogenic (1 of 4 stars; one submission).

Conditions:
BAP1-related tumor predisposition syndrome (TPDS1). Also called: Tumor susceptibility linked to germline BAP1 mutations; BAP1 tumor predisposition syndrome; TUMOR PREDISPOSITION SYNDROME 1; COMMON Syndrome. Identifiers: Orphanet 289539, MedGen C3280492, MONDO:0013692, OMIM 614327.

Submission:

Labcorp Genetics (formerly Invitae), Labcorp
Classification: Pathogenic for BAP1-related tumor predisposition syndrome. Last evaluated: 2021-06-17. Review status: criteria provided, single submitter. Criteria: Invitae Variant Classification Sherloc (09022015). Collection method: clinical testing. Allele origin: germline.
Comment: For these reasons, this variant has been classified as Pathogenic. This variant has not been reported in the literature in individuals with BAP1-related conditions. This variant is not present in population databases (ExAC no frequency). This sequence change creates a premature translational stop signal (p.Lys612Aspfs*30) in the BAP1 gene. It is expected to result in an absent or disrupted protein product. Loss-of-function variants in BAP1 are known to be pathogenic (PMID: 21874000, 23684012).

Literature cited by the submitters: PubMed 21874000; PubMed 23684012.